The following is an entry in ClinVar:

NM_152564.5(VPS13B):c.6833G>A (p.Arg2278Gln)

Gene: VPS13B (vacuolar protein sorting 13 homolog B; plus strand). Cytogenetic location: 8q22.2.
Variant type: single nucleotide variant.
Coding change: c.6833G>A on transcript NM_152564.5 (MANE Select); coding-DNA position 6833, G replaced by A.
Protein change: p.Arg2278Gln; replaces arginine 2278 with glutamine.
Molecular consequence: missense variant.
Genome position (GRCh38, 1-based): chr8:99,720,520, G>A. VCF-style: chr8-99720520-G-A. GRCh37 (hg19) VCF-style: chr8-100732748-G-A.
Other names: c.6908G>A, p.Arg2303Gln (NM_017890.5); c.6833G>A (NM_152564.4); short protein forms R2303Q, R2278Q.
Identifiers: ClinVar variation 969417 (VCV000969417.10), dbSNP rs748374112, ClinGen allele CA4824095.

ClinVar aggregate classification (germline): Uncertain significance. Review status: criteria provided, single submitter (1 of 4 stars). 3 submissions from 3 submitters: Uncertain significance (1). 2 of the submissions do not count toward it. Last evaluated 2022-02-04.

Conditions:
VPS13B-related disorder. Also called: VPS13B-related condition.
Cohen syndrome (COH1). Also called: Cutis verticis gyrata, retinitis pigmentosa, and sensorineural deafness; PEPPER SYNDROME. Identifiers: Orphanet 193, MedGen C0265223, MONDO:0008999, OMIM 216550.

Allele frequency attached by ClinVar (database versions not stated): ExAC 0.00002; gnomAD exomes 0.00002 and 0.00013; gnomAD 0.00017; TOPMed 0.00021.
gnomAD v4.1: 54 of 1,613,832 alleles (0.0033%); highest among the groups gnomAD compares: Admixed American, 0.078%; no homozygotes.

Submissions (3):

Labcorp Genetics (formerly Invitae), Labcorp
Classification: Uncertain significance for Cohen syndrome. Last evaluated: 2022-02-04. Review status: criteria provided, single submitter. Criteria: Invitae Variant Classification Sherloc (09022015). Collection method: clinical testing. Allele origin: germline.
Comment: This sequence change replaces arginine, which is basic and polar, with glutamine, which is neutral and polar, at codon 2303 of the VPS13B protein (p.Arg2303Gln). This variant is present in population databases (rs748374112, gnomAD 0.07%). This variant has not been reported in the literature in individuals affected with VPS13B-related conditions. ClinVar contains an entry for this variant (Variation ID: 969417). Algorithms developed to predict the effect of missense changes on protein structure and function are either unavailable or do not agree on the potential impact of this missense change (SIFT: "Not Available"; PolyPhen-2: "Benign"; Align-GVGD: "Not Available"). In summary, the available evidence is currently insufficient to determine the role of this variant in disease. Therefore, it has been classified as a Variant of Uncertain Significance.

PreventionGenetics, part of Exact Sciences
Classification: Uncertain significance for VPS13B-related condition. Last evaluated: 2024-08-27. Review status: no assertion criteria provided. Collection method: clinical testing. Allele origin: germline. Not counted in ClinVar's aggregate classification.
Comment: The VPS13B c.6833G>A variant is predicted to result in the amino acid substitution p.Arg2278Gln. To our knowledge, this variant has not been reported in the literature. This variant is reported in 0.072% of alleles in individuals of Latino descent in gnomAD, which may be too common to be a primary cause of disease. Although we suspect that this variant may be benign, at this time, the clinical significance of this variant is uncertain due to the absence of conclusive functional and genetic evidence.

Natera, Inc.
Classification: Uncertain significance for Cohen syndrome. Last evaluated: 2021-09-13. Review status: no assertion criteria provided. Collection method: clinical testing. Allele origin: germline. Not counted in ClinVar's aggregate classification.